The following is an entry in ClinVar:

NM_000273.3(GPR143):c.162_198del (p.Ala55fs)

Gene: GPR143 (G protein-coupled receptor 143; minus strand). Cytogenetic location: Xp22.2.
Variant type: Deletion.
Coding change: c.162_198del on transcript NM_000273.3 (MANE Select); coding-DNA positions 162 to 198, 37 bases deleted.
Protein change: p.Ala55fs; shifts the reading frame from alanine 55.
Molecular consequence: frameshift variant.
Genome position (GRCh38, 1-based): chrX:9,765,620-9,765,656, 37 bases deleted; deleting any 37 consecutive bases within chrX:9,765,620-9,765,665 gives the same sequence; the c. name uses the placement nearest the transcript's 3' end. GRCh37 (hg19): chrX:9,733,669-9,733,705.
Other names: c.162_198del37 (NM_000273.2); short protein forms A55fs.
Identifiers: ClinVar variation 10524 (VCV000010524.2), dbSNP rs2518642062, ClinGen allele CA2580102081.

ClinVar aggregate classification (germline): Pathogenic. Review status: criteria provided, single submitter (1 of 4 stars). 2 submissions from 2 submitters: Pathogenic (1). 1 of the submissions does not count toward it. Last evaluated 2023-02-28.

Conditions:
GPR143-related disorder. Also called: GPR143-related condition.
Nystagmus 6, congenital, X-linked (NYS6). Identifiers: MedGen C3151752, MONDO:0010435, OMIM 300814.

Submissions (2):

PreventionGenetics, part of Exact Sciences
Classification: Pathogenic for GPR143-related condition. Last evaluated: 2023-02-28. Review status: criteria provided, single submitter. Criteria: ACMG Guidelines, 2015. Collection method: clinical testing. Allele origin: germline.
Comment: The GPR143 c.162_198del37 variant is predicted to result in a frameshift and premature protein termination (p.Ala55Argfs*20). This variant has been reported as segregating in a large family with congenital nystagmus (Zhou et al. 2008. PubMed ID: 18523664). This variant has not been reported in a large population database, indicating it is rare. Frameshift variants in GPR143 are expected to be pathogenic, and therefore we interpret c.162_198del (p.Ala55Argfs*20) as pathogenic.

OMIM
Classification: Pathogenic for NYSTAGMUS 6, CONGENITAL, X-LINKED. Last evaluated: 2008-05-30. Review status: no assertion criteria provided. Collection method: literature only. Allele origin: germline. Not counted in ClinVar's aggregate classification.

Literature cited by the submitters: PubMed 18523664 (cited by OMIM).